The following is an entry in ClinVar:

NM_004827.3(ABCG2):c.791_792del (p.Leu264fs)

Gene: ABCG2 (ATP binding cassette subfamily G member 2 (JR blood group); minus strand). Cytogenetic location: 4q22.1.
Variant type: Deletion.
Coding change: c.791_792del on transcript NM_004827.3 (MANE Select); coding-DNA positions 791 to 792, 2 bases deleted (TT; older notation c.791_792delTT).
Protein change: p.Leu264fs; shifts the reading frame from leucine 264.
Molecular consequence: frameshift variant.
Genome position (GRCh38, 1-based): chr4:88,118,158-88,118,159, AA deleted on the plus strand (TT on the coding strand, the reverse complement: ABCG2 is on the minus strand). VCF-style (leftmost placement, unchanged base first): chr4-88118157-TAA-T. GRCh37 (hg19) VCF-style: chr4-89039309-TAA-T.
Other names: c.791_792delTT (NM_004827.3); c.791_792del, p.Leu264fs (NM_001257386.2, NM_001348985.1, NM_001348987.1 and 2 more transcripts); c.791_792delTT, p.Leu264Hisfs (NM_001348986.2); short protein forms L264fs.
Identifiers: ClinVar variation 30388 (VCV000030388.5), dbSNP rs387906870, ClinGen allele CA129178.

ClinVar aggregate classification (germline): Conflicting classifications of pathogenicity. Review status: criteria provided, conflicting classifications (1 of 4 stars). 4 submissions from 3 submitters: Pathogenic (1); Uncertain significance (1). 2 of the submissions do not count toward it. Last evaluated 2022-12-17.

Conditions:
BLOOD GROUP, JUNIOR SYSTEM (JR). Also called: JUNIOR BLOOD GROUP SYSTEM, JR(a-) PHENOTYPE. Identifiers: MedGen C3280986, OMIM 614490.
URIC ACID CONCENTRATION, SERUM, QUANTITATIVE TRAIT LOCUS 1 (UAQTL1). Also called: GOUT SUSCEPTIBILITY 1. Identifiers: MedGen C1841837, OMIM 138900.

Allele frequency attached by ClinVar (database versions not stated): gnomAD exomes 0.00003 and 0.00004; TOPMed 0.00004; ESP Exome Variant Server 0.00008; gnomAD 0.00005; ExAC 0.00004.

Submissions (4):

Dubai Health Genomic Medicine Center, Dubai Health
Classification: Pathogenic. Last evaluated: 2022-12-17. Review status: criteria provided, single submitter. Criteria: ACMG Guidelines, 2015. Collection method: clinical testing. Allele origin: germline. Affected: yes.

Fulgent Genetics
Classification: Uncertain significance for URIC ACID CONCENTRATION, SERUM, QUANTITATIVE TRAIT LOCUS 1; BLOOD GROUP, JUNIOR SYSTEM. Last evaluated: 2022-03-01. Review status: criteria provided, single submitter. Criteria: ACMG Guidelines, 2015. Collection method: clinical testing. Allele origin: unknown.

OMIM
Classification: Affects for JUNIOR BLOOD GROUP SYSTEM, JR(a-) PHENOTYPE. Last evaluated: 2012-01-15. Review status: no assertion criteria provided. Collection method: literature only. Allele origin: germline. Not counted in ClinVar's aggregate classification.

Dubai Health Genomic Medicine Center, Dubai Health
Classification: Uncertain significance. Last evaluated: 2021-02-07. Review status: flagged submission. Criteria: ACMG Guidelines, 2015. Collection method: clinical testing. Allele origin: germline. Affected: yes. Not counted in ClinVar's aggregate classification.
Comment: The p.Leu264Hisfs*14 in ABCG2 has been previously associated with decreased expression of the multi-drug resistance protein ABCG2 and also with Jr(a-) blood group in the homozygous state (PMID: 22246505 23166586). It has also been identified in 11/128928 (0.0085% 0 homozygotes) European Non-Finnish alleles in the Genome Aggregation Database (gnomAD) and in 3/1983 (0.15% 0 homozygotes) total alleles in the Greater Middle East (GME) variome database. This frameshift variant is predicted to alter the protein's amino acid sequence beginning at position 264 and lead to a premature termination codon 14 amino acids downstream. This alteration is then predicted to lead to a truncated or absent protein. Reduction in the ABCG2 protein function has been associated with hyperuricemia and gout (PMID: 20368174). In summary although more information is needed to establish the clinical significance of this variant it is very likely to be associated with hyperuricemia. ABCG2−/− (Jr(a−)) individuals are expected to be hypersensitive to the drugs transported by ABCG2 (PubMed: 22246505).
ClinVar note: Reason: This record appears to be redundant with a more recent record from the same submitter.
ClinVar note: Notes: SCV001984316 appears to be redundant with SCV002818208.

Literature cited by the submitters: PubMed 22246505 (cited by OMIM).